The following is an entry in ClinVar:

NM_000398.7(CYB5R3):c.226+2T>C

Gene: CYB5R3 (cytochrome b5 reductase 3; minus strand). Cytogenetic location: 22q13.2.
Variant type: single nucleotide variant.
Coding change: c.226+2T>C on transcript NM_000398.7 (MANE Select); the canonical splice donor site of the intron after coding-DNA position 226, T replaced by C.
Molecular consequence: splice donor variant.
Genome position (GRCh38, 1-based): chr22:42,631,376, A>G on the plus strand (T>C on the coding strand, the complement: CYB5R3 is on the minus strand). VCF-style: chr22-42631376-A-G. GRCh37 (hg19) VCF-style: chr22-43027382-A-G.
Other names: c.157+2T>C (NM_007326.4, NM_001171661.1, NM_001129819.2); c.325+2T>C (NM_001171660.2).
Identifiers: ClinVar variation 801428 (VCV000801428.3), dbSNP rs1601938489, ClinGen allele CA411800712.

ClinVar aggregate classification (germline): Pathogenic/Likely pathogenic. Review status: criteria provided, multiple submitters, no conflicts (2 of 4 stars). 2 submissions from 2 submitters: Pathogenic (1); Likely pathogenic (1). Last evaluated 2025-12-02.

Conditions:
Deficiency of cytochrome-b5 reductase. Also called: METHEMOGLOBINEMIA, CONGENITAL, AUTOSOMAL RECESSIVE; NADH-DEPENDENT METHEMOGLOBIN REDUCTASE DEFICIENCY. Identifiers: Orphanet 621, MedGen C0268193, MONDO:0009606, OMIM 250800.

Submissions (2):

Dasa
Classification: Likely pathogenic for methemoglobinemia due to deficiency of methemoglobin reductase. Last evaluated: 2025-12-02. Review status: criteria provided, single submitter. Criteria: DASA Assertion Criteria. Collection method: clinical testing. Allele origin: germline.
Comment: NM_000398.7(CYB5R3):c.226+2T>C affects a canonical splice site and is predicted to disrupt normal RNA splicing. Loss of function is an established disease mechanism for CYB5R3-associated disorders. Also, this variant is rare in population databases. Based on the currently available evidence, this variant is classified as likely pathogenic.

Mendelics
Classification: Pathogenic for Deficiency of cytochrome-b5 reductase. Last evaluated: 2019-05-28. Review status: criteria provided, single submitter. Criteria: Mendelics Assertion Criteria 2017. Collection method: clinical testing. Allele origin: unknown.